The following is an entry in ClinVar:

NM_000043.6(FAS):c.196+1G>A

Gene: FAS (Fas cell surface death receptor; plus strand). Cytogenetic location: 10q23.31.
Variant type: single nucleotide variant.
Coding change: c.196+1G>A on transcript NM_000043.6 (MANE Select); the canonical splice donor site of the intron after coding-DNA position 196, G replaced by A.
Molecular consequence: splice donor variant.
Genome position (GRCh38, 1-based): chr10:89,003,195, G>A. VCF-style: chr10-89003195-G-A. GRCh37 (hg19) VCF-style: chr10-90762952-G-A.
Other names: c.196+1G>A (NM_152872.4, NM_001320619.2, NM_152871.4); c.241+1G>A (NM_001410956.1).
Identifiers: ClinVar variation 4855962 (VCV004855962.2).

ClinVar aggregate classification (germline): Pathogenic/Likely pathogenic. Review status: criteria provided, multiple submitters, no conflicts (2 of 4 stars). 2 submissions from 2 submitters: Pathogenic (1); Likely pathogenic (1). Last evaluated 2025-12-17.

Conditions:
FAS-related disorder. Also called: FAS-related condition.

Submissions (2):

3billion
Classification: Pathogenic for FAS-related disorder. Last evaluated: 2025-12-17. Review status: criteria provided, single submitter. Criteria: ACMG Guidelines, 2015. Collection method: clinical testing. Allele origin: germline. Affected: yes.
Comment: The variant is not observed in the gnomAD v4.1.0 dataset. Predicted Consequence/Location: Canonical splice site: predicted to alter splicing and result in a loss or disruption of normal protein function. Multiple pathogenic loss-of-function variants are reported downstream of the variant. In silico tools predict the variant to alter splicing and produce an abnormal transcript [SpliceAI: 0.99 (spliceogenicity >=0.2, non-spliceogenicity <0.1)]. Therefore, this variant is classified as Pathogenic according to the recommendation of ACMG/AMP guideline.

Blueprint Genetics
Classification: Likely pathogenic for FAS-related disorders. Last evaluated: 2022-03-28. Review status: criteria provided, single submitter. Criteria: ACMG Guidelines, 2015. Collection method: clinical testing. Allele origin: germline. Affected: yes. Observed: 3 variant alleles.